The following is an entry in ClinVar:

ClinVar aggregate classification (germline): Likely benign. Review status: criteria provided, multiple submitters, no conflicts (2 of 4 stars). 2 submissions from 2 submitters: Likely benign (2). Last evaluated 2025-12-06.

Conditions:
Glycogen storage disease IXd (GSD9D). Also called: Muscle Phosphorylase Kinase Deficiency; GSD IXd. Identifiers: Orphanet 715, MedGen C1845151, MONDO:0010362, OMIM 300559.

Allele frequency attached by ClinVar (database versions not stated): gnomAD exomes 0.00001 and 0.00002; ExAC 0.00003; gnomAD 0.00003 and 0.00004; TOPMed 0.00005; ESP Exome Variant Server 0.00009.
gnomAD v4.1: 11 of 1,187,305 alleles (0.00093%); highest among the groups gnomAD compares: African/African-American, 0.012%; no homozygotes.

Submissions (2):

Labcorp Genetics (formerly Invitae), Labcorp
Classification: Likely benign for Glycogen storage disease IXd. Last evaluated: 2025-12-06. Review status: criteria provided, single submitter. Criteria: Invitae Variant Classification Sherloc (09022015). Collection method: clinical testing. Allele origin: germline.

GeneDx
Classification: Likely benign. Last evaluated: 2017-05-22. Review status: criteria provided, single submitter. Criteria: GeneDx Variant Classification (06012015). Collection method: clinical testing. Allele origin: germline. Affected: yes.
Comment: This variant is considered likely benign or benign based on one or more of the following criteria: it is a conservative change, it occurs at a poorly conserved position in the protein, it is predicted to be benign by multiple in silico algorithms, and/or has population frequency not consistent with disease.

NM_002637.4(PHKA1):c.2230-20C>T

Gene: PHKA1 (phosphorylase kinase regulatory subunit alpha 1; minus strand). Cytogenetic location: Xq13.1.
Variant type: single nucleotide variant.
Coding change: c.2230-20C>T on transcript NM_002637.4 (MANE Select); 20 bases into the intron before coding-DNA position 2230, C replaced by T.
Molecular consequence: intron variant.
Genome position (GRCh38, 1-based): chrX:72,618,869, G>A on the plus strand (C>T on the coding strand, the complement: PHKA1 is on the minus strand). VCF-style: chrX-72618869-G-A. GRCh37 (hg19) VCF-style: chrX-71838719-G-A.
Other names: c.2053-20C>T (NM_001172436.2); c.2230-20C>T (NM_001122670.2).
Identifiers: ClinVar variation 509465 (VCV000509465.4), dbSNP rs374639781, ClinGen allele CA10450730.